The following is an entry in ClinVar:

NM_014675.5(CROCC):c.5904T>C (p.Thr1968=)

Gene: CROCC (ciliary rootlet coiled-coil, rootletin; plus strand). Cytogenetic location: 1p36.13.
Variant type: single nucleotide variant.
Coding change: c.5904T>C on transcript NM_014675.5 (MANE Select); coding-DNA position 5904, T replaced by C.
Protein change: p.Thr1968=; no amino-acid change (threonine 1968 retained).
Molecular consequence: synonymous variant.
Genome position (GRCh38, 1-based): chr1:16,971,584, T>C. VCF-style: chr1-16971584-T-C. GRCh37 (hg19) VCF-style: chr1-17298079-T-C.
Identifiers: ClinVar variation 2638386 (VCV002638386.24), dbSNP rs931140840, ClinGen allele CA18608644.

ClinVar aggregate classification (germline): Likely benign (1 of 4 stars; one submission).

Allele frequency attached by ClinVar (database versions not stated): gnomAD 0.00002; TOPMed 0.00003.
gnomAD v4.1: 65 of 1,532,110 alleles (0.0042%); highest among the groups gnomAD compares: Non-Finnish European, 0.0056%; no homozygotes.

Submission:

CeGaT Center for Human Genetics Tuebingen
Classification: Likely benign. Last evaluated: 2023-04-01. Review status: criteria provided, single submitter. Criteria: CeGaT Center For Human Genetics Tuebingen Variant Classification Criteria Version 2. Collection method: clinical testing. Allele origin: germline. Affected: yes. Observed: 1 variant allele.
Comment: CROCC: BP4, BP7